The following is an entry in ClinVar:

NM_001267550.2(TTN):c.11117T>C (p.Leu3706Pro)

Gene: TTN (titin; minus strand). Cytogenetic location: 2q31.2.
Variant type: single nucleotide variant.
Coding change: c.11117T>C on transcript NM_001267550.2 (MANE Select); coding-DNA position 11117, T replaced by C.
Protein change: p.Leu3706Pro; replaces leucine 3706 with proline.
Molecular consequence: missense variant. On other transcripts: intron variant (5).
Genome position (GRCh38, 1-based): chr2:178,756,359, A>G on the plus strand (T>C on the coding strand, the complement: TTN is on the minus strand). VCF-style: chr2-178756359-A-G. GRCh37 (hg19) VCF-style: chr2-179621086-A-G.
Other names: p.L3535P:CTG>CCG; c.10604T>C, p.Leu3535Pro (NM_133437.4); c.10165+2625T>C (NM_003319.4); c.10540+1183T>C (NM_133432.3); c.10303+2625T>C (NM_133378.4, NM_001256850.1, NM_133379.5); c.11117T>C (NM_001267550.1); short protein forms L3535P, L3706P.
Identifiers: ClinVar variation 203181 (VCV000203181.3), dbSNP rs748468365, ClinGen allele CA311602.

ClinVar aggregate classification (germline): Uncertain significance (1 of 4 stars; one submission).

Allele frequency attached by ClinVar (database versions not stated): gnomAD exomes below 0.00001 and 0.00001; ExAC 0.00001; gnomAD 0.00002; TOPMed 0.00002.
gnomAD v4.1: 10 of 1,613,760 alleles (0.00062%); highest among the groups gnomAD compares: African/African-American, 0.011%; no homozygotes.

Submission:

GeneDx
Classification: Uncertain significance. Last evaluated: 2025-02-24. Review status: criteria provided, single submitter. Criteria: GeneDx Variant Classification Process June 2021. Collection method: clinical testing. Allele origin: germline. Affected: yes.
Comment: Not observed at significant frequency in large population cohorts (gnomAD); Missense variant in a gene in which most reported pathogenic variants are truncating/loss of function; Has not been previously published as pathogenic or benign to our knowledge